The following is an entry in ClinVar:

ClinVar aggregate classification (germline): Benign. Review status: criteria provided, single submitter (1 of 4 stars). 2 submissions from 2 submitters: Benign (1). 1 of the submissions does not count toward it. Last evaluated 2022-03-24.

Allele frequency attached by ClinVar (database versions not stated): gnomAD exomes 0.04347 and 0.06044; gnomAD 0.10780 and 0.11167; TOPMed 0.12095; 1000 Genomes Project 0.13718; ExAC 0.07506; ESP Exome Variant Server 0.11751; 1000 Genomes Project 30x 0.14007.
gnomAD v4.1: 80,137 of 1,607,460 alleles (5%); highest among the groups gnomAD compares: African/African-American, 29%; 3,217 homozygotes.

Submissions (2):

Mayo Clinic Laboratories, Mayo Clinic
Classification: Benign. Last evaluated: 2022-03-24. Review status: criteria provided, single submitter. Criteria: ACMG Guidelines, 2015. Collection method: clinical testing. Allele origin: germline. Observed: 52 variant alleles.

Genetic Services Laboratory, University of Chicago
Classification: Likely benign for AllHighlyPenetrant. Review status: no assertion criteria provided. Collection method: clinical testing. Allele origin: germline. Inheritance: Autosomal recessive inheritance. Not counted in ClinVar's aggregate classification.
Comment: Likely benign based on allele frequency in 1000 Genomes Project or ESP global frequency and its presence in a patient with a rare or unrelated disease phenotype. NOT Sanger confirmed.

NM_207111.4(RNF216):c.1170C>T (p.Asp390=)

Gene: RNF216 (ring finger protein 216; minus strand). Cytogenetic location: 7p22.1.
Variant type: single nucleotide variant.
Coding change: c.1170C>T on transcript NM_207111.4 (MANE Select); coding-DNA position 1170, C replaced by T.
Protein change: p.Asp390=; no amino-acid change (aspartic acid 390 retained).
Molecular consequence: synonymous variant.
Genome position (GRCh38, 1-based): chr7:5,730,769, G>A on the plus strand (C>T on the coding strand, the complement: RNF216 is on the minus strand). VCF-style: chr7-5730769-G-A. GRCh37 (hg19) VCF-style: chr7-5770400-G-A.
Other names: p.Asp390=; c.999C>T, p.Asp333= (NM_207116.3).
Identifiers: ClinVar variation 130159 (VCV000130159.7), dbSNP rs111942365, ClinGen allele CA154974.